The following is an entry in ClinVar:

NM_002225.5(IVD):c.1139-23C>T

Gene: IVD (isovaleryl-CoA dehydrogenase; plus strand). Cytogenetic location: 15q15.1.
Variant type: single nucleotide variant.
Coding change: c.1139-23C>T on transcript NM_002225.5 (MANE Select); 23 bases into the intron before coding-DNA position 1139, C replaced by T.
Molecular consequence: intron variant.
Genome position (GRCh38, 1-based): chr15:40,418,107, C>T. VCF-style: chr15-40418107-C-T. GRCh37 (hg19) VCF-style: chr15-40710306-C-T.
Other names: c.1225+1745C>T (NM_001354600.3); c.1138+1745C>T (NM_001354598.3, NM_001354601.3); c.1091-23C>T (NM_001354597.3); c.1226-23C>T (NM_001354599.3); c.1049-23C>T (NM_001159508.3).
Identifiers: ClinVar variation 4883052 (VCV004883052.2).

ClinVar aggregate classification (germline): Uncertain significance (1 of 4 stars; one submission).

gnomAD v4.1: 386 of 1,613,814 alleles (0.024%); highest among the groups gnomAD compares: African/African-American, 0.43%; no homozygotes.

Submission:

Dasa
Classification: Uncertain significance. Last evaluated: 2025-08-19. Review status: criteria provided, single submitter. Criteria: DASA Assertion Criteria. Collection method: clinical testing. Allele origin: germline.
Comment: NM_002225.5(IVD):c.1139-23C>T is an intronic variant. This variant is rare in population databases. The currently available literature and clinical evidence are not sufficient to establish a definitive association between this variant and the reported condition. Therefore, this variant is classified as a variant of uncertain significance.